The following is an entry in ClinVar:

NM_019098.5(CNGB3):c.1216_1219del (p.Ile406fs)

Gene: CNGB3 (cyclic nucleotide gated channel subunit beta 3; minus strand). Cytogenetic location: 8q21.3.
Variant type: Deletion.
Coding change: c.1216_1219del on transcript NM_019098.5 (MANE Select); coding-DNA positions 1216 to 1219, 4 bases deleted (ATTA; older notation c.1216_1219delATTA).
Protein change: p.Ile406fs; shifts the reading frame from isoleucine 406.
Molecular consequence: frameshift variant.
Genome position (GRCh38, 1-based): chr8:86,632,853-86,632,856, TAAT deleted on the plus strand (ATTA on the coding strand, the reverse complement: CNGB3 is on the minus strand); deleting any 4 consecutive bases within chr8:86,632,853-86,632,859 gives the same sequence; the c. name uses the placement nearest the transcript's 3' end. VCF-style (leftmost placement, unchanged base first): chr8-86632852-GTAAT-G. GRCh37 (hg19) VCF-style: chr8-87645080-GTAAT-G.
Other names: short protein forms I406fs.
Identifiers: ClinVar variation 663926 (VCV000663926.6), dbSNP rs1585981514, ClinGen allele CA915945754.

ClinVar aggregate classification (germline): Pathogenic (1 of 4 stars; one submission).

Submission:

Labcorp Genetics (formerly Invitae), Labcorp
Classification: Pathogenic. Last evaluated: 2022-04-05. Review status: criteria provided, single submitter. Criteria: Invitae Variant Classification Sherloc (09022015). Collection method: clinical testing. Allele origin: germline.
Comment: This variant has not been reported in the literature in individuals affected with CNGB3-related conditions. For these reasons, this variant has been classified as Pathogenic. ClinVar contains an entry for this variant (Variation ID: 663926). This variant is not present in population databases (gnomAD no frequency). This sequence change creates a premature translational stop signal (p.Ile406Profs*19) in the CNGB3 gene. It is expected to result in an absent or disrupted protein product. Loss-of-function variants in CNGB3 are known to be pathogenic (PMID: 28795510).

Literature cited by the submitters: PubMed 28795510.